The following is an entry in ClinVar:

NM_002439.5(MSH3):c.284G>A (p.Gly95Glu)

Gene: MSH3 (mutS homolog 3; plus strand). Cytogenetic location: 5q14.1.
Variant type: single nucleotide variant.
Coding change: c.284G>A on transcript NM_002439.5 (MANE Select); coding-DNA position 284, G replaced by A.
Protein change: p.Gly95Glu; replaces glycine 95 with glutamic acid.
Molecular consequence: missense variant.
Genome position (GRCh38, 1-based): chr5:80,656,457, G>A. VCF-style: chr5-80656457-G-A. GRCh37 (hg19) VCF-style: chr5-79952276-G-A.
Other names: short protein forms G95E.
Identifiers: ClinVar variation 1796816 (VCV001796816.4), dbSNP rs2112801640, ClinGen allele CA360266261.

ClinVar aggregate classification (germline): Uncertain significance. Review status: criteria provided, multiple submitters, no conflicts (2 of 4 stars). 3 submissions from 3 submitters: Uncertain significance (3). Last evaluated 2026-01-04.

Conditions:
Hereditary cancer-predisposing syndrome. Also called: Tumor predisposition; Hereditary Cancer Syndrome; Neoplastic Syndromes, Hereditary; Hereditary neoplastic syndrome. Identifiers: Orphanet 140162, MedGen C0027672, MeSH D009386, MONDO:0015356.
Endometrial carcinoma. Also called: Endometrial carcinoma, somatic. Identifiers: MedGen C0476089, MONDO:0002447, OMIM 608089, HP:0012114.

Submissions (3):

Labcorp Genetics (formerly Invitae), Labcorp
Classification: Uncertain significance. Last evaluated: 2026-01-04. Review status: criteria provided, single submitter. Criteria: Invitae Variant Classification Sherloc (09022015). Collection method: clinical testing. Allele origin: germline.
Comment: This sequence change replaces glycine, which is neutral and non-polar, with glutamic acid, which is acidic and polar, at codon 95 of the MSH3 protein (p.Gly95Glu). This variant is not present in population databases (gnomAD no frequency). This variant has not been reported in the literature in individuals affected with MSH3-related conditions. ClinVar contains an entry for this variant (Variation ID: 1796816). An algorithm developed to predict the effect of missense changes on protein structure and function outputs the following: PolyPhen-2: "Benign". The glutamic acid amino acid residue is found in multiple mammalian species, which suggests that this missense change does not adversely affect protein function. In summary, the available evidence is currently insufficient to determine the role of this variant in disease. Therefore, it has been classified as a Variant of Uncertain Significance.

Baylor Genetics
Classification: Uncertain significance for Endometrial carcinoma. Last evaluated: 2023-12-20. Review status: criteria provided, single submitter. Criteria: ACMG Guidelines, 2015. Collection method: clinical testing. Allele origin: unknown.

Ambry Genetics
Classification: Uncertain significance for Hereditary cancer-predisposing syndrome. Last evaluated: 2022-05-21. Review status: criteria provided, single submitter. Criteria: Ambry Variant Classification Scheme 2023. Collection method: clinical testing. Allele origin: germline.
Comment: The p.G95E variant (also known as c.284G>A), located in coding exon 2 of the MSH3 gene, results from a G to A substitution at nucleotide position 284. The glycine at codon 95 is replaced by glutamic acid, an amino acid with similar properties. This amino acid position is conserved. In addition, this alteration is predicted to be tolerated by in silico analysis. Since supporting evidence is limited at this time, the clinical significance of this alteration remains unclear.